The following is an entry in ClinVar:

NM_000027.4(AGA):c.392C>T (p.Ser131Leu)

Gene: AGA (aspartylglucosaminidase; minus strand). Cytogenetic location: 4q34.3.
Variant type: single nucleotide variant.
Coding change: c.392C>T on transcript NM_000027.4 (MANE Select); coding-DNA position 392, C replaced by T.
Protein change: p.Ser131Leu; replaces serine 131 with leucine.
Molecular consequence: missense variant. On other transcripts: non-coding transcript variant (1).
Genome position (GRCh38, 1-based): chr4:177,439,578, G>A on the plus strand (C>T on the coding strand, the complement: AGA is on the minus strand). VCF-style: chr4-177439578-G-A. GRCh37 (hg19) VCF-style: chr4-178360732-G-A.
Other names: c.392C>T, p.Ser131Leu (NM_001171988.2); short protein forms S131L.
Identifiers: ClinVar variation 1705159 (VCV001705159.1), dbSNP rs1233423494, ClinGen allele CA358783517.

ClinVar aggregate classification (germline): Uncertain significance (1 of 4 stars; one submission).

Allele frequency attached by ClinVar (database versions not stated): gnomAD exomes below 0.00001; TOPMed 0.00002.
gnomAD v4.1: 1 of 1,608,786 alleles (0.000062%); highest among the groups gnomAD compares: East Asian, 0.0022%; no homozygotes.

Submission:

Women's Health and Genetics/Laboratory Corporation of America, LabCorp
Classification: Uncertain significance. Last evaluated: 2022-08-20. Review status: criteria provided, single submitter. Criteria: LabCorp Variant Classification Summary - May 2015. Collection method: clinical testing. Allele origin: germline.
Comment: Variant summary: AGA c.392C>T (p.Ser131Leu) results in a non-conservative amino acid change in the encoded protein sequence. Three of five in-silico tools predict a benign effect of the variant on protein function. 4/4 computational tools predict no significant impact on normal splicing. However, these predictions have yet to be confirmed by functional studies. The variant was absent in 251410 control chromosomes. The available data on variant occurrences in the general population are insufficient to allow any conclusion about variant significance. c.392C>T has been reported in the literature as a non-informative genotype (second allele not specified) in at-least one individual from a family with two children diagnosed with Aspartylglucosaminuria (example, Liu_2014). These report(s) do not provide unequivocal conclusions about association of the variant with Aspartylglucosaminuria. To our knowledge, no experimental evidence demonstrating an impact on protein function has been reported. No clinical diagnostic laboratories have submitted clinical-significance assessments for this variant to ClinVar after 2014. Based on the evidence outlined above, the variant was classified as uncertain significance.

Literature cited by the submitters: PubMed 25190167.